The following is an entry in ClinVar:

NM_032608.7(MYO18B):c.6262G>A (p.Ala2088Thr)

Gene: MYO18B (myosin XVIIIB; plus strand). Cytogenetic location: 22q12.1.
Variant type: single nucleotide variant.
Coding change: c.6262G>A on transcript NM_032608.7 (MANE Select); coding-DNA position 6262, G replaced by A.
Protein change: p.Ala2088Thr; replaces alanine 2088 with threonine.
Molecular consequence: missense variant.
Genome position (GRCh38, 1-based): chr22:25,992,468, G>A. VCF-style: chr22-25992468-G-A. GRCh37 (hg19) VCF-style: chr22-26388434-G-A.
Other names: c.6265G>A, p.Ala2089Thr (NM_001318245.2); short protein forms A2088T, A2089T.
Identifiers: ClinVar variation 1965867 (VCV001965867.5), dbSNP rs1601778549, ClinGen allele CA411006380.

ClinVar aggregate classification (germline): Uncertain significance (1 of 4 stars; one submission).

gnomAD v4.1: 1 of 1,613,980 alleles (0.000062%); no homozygotes.

Submission:

Labcorp Genetics (formerly Invitae), Labcorp
Classification: Uncertain significance. Last evaluated: 2023-03-10. Review status: criteria provided, single submitter. Criteria: Invitae Variant Classification Sherloc (09022015). Collection method: clinical testing. Allele origin: germline.
Comment: This sequence change replaces alanine, which is neutral and non-polar, with threonine, which is neutral and polar, at codon 2088 of the MYO18B protein (p.Ala2088Thr). This variant is not present in population databases (gnomAD no frequency). This variant has not been reported in the literature in individuals affected with MYO18B-related conditions. ClinVar contains an entry for this variant (Variation ID: 1965867). An algorithm developed to predict the effect of missense changes on protein structure and function (PolyPhen-2) suggests that this variant is likely to be tolerated. In summary, the available evidence is currently insufficient to determine the role of this variant in disease. Therefore, it has been classified as a Variant of Uncertain Significance.